The following is an entry in ClinVar:

NM_001244008.2(KIF1A):c.3617G>A (p.Arg1206Gln)

Gene: KIF1A (kinesin family member 1A; minus strand). Cytogenetic location: 2q37.3.
Variant type: single nucleotide variant.
Coding change: c.3617G>A on transcript NM_001244008.2 (MANE Select); coding-DNA position 3617, G replaced by A.
Protein change: p.Arg1206Gln; replaces arginine 1206 with glutamine.
Molecular consequence: missense variant.
Genome position (GRCh38, 1-based): chr2:240,742,952, C>T on the plus strand (G>A on the coding strand, the complement: KIF1A is on the minus strand). VCF-style: chr2-240742952-C-T. GRCh37 (hg19) VCF-style: chr2-241682369-C-T.
Other names: c.3341G>A, p.Arg1114Gln (NM_001320705.2, NM_001330289.2, NM_001379638.1); c.3416G>A, p.Arg1139Gln (NM_001330290.2, NM_001379634.1, NM_001379635.1 and 1 more transcripts); c.3692G>A, p.Arg1231Gln (NM_001379631.1); c.3566G>A, p.Arg1189Gln (NM_001379632.1); c.3590G>A, p.Arg1197Gln (NM_001379633.1, NM_001379642.1, NM_001379645.1); c.3314G>A, p.Arg1105Gln (NM_001379636.1, NM_001379639.1, NM_001379641.1 and 5 more transcripts); c.3389G>A, p.Arg1130Gln (NM_001379637.1, NM_001379648.1); c.3311G>A, p.Arg1104Gln (NM_001379640.1); short protein forms R1105Q, R1206Q, R1114Q, R1139Q, R1104Q, R1130Q, R1189Q, R1197Q.
Identifiers: ClinVar variation 588171 (VCV000588171.17), dbSNP rs369849214, ClinGen allele CA2207729.

ClinVar aggregate classification (germline): Conflicting classifications of pathogenicity. Review status: criteria provided, conflicting classifications (1 of 4 stars). 3 submissions from 3 submitters: Uncertain significance (2); Likely benign (1). Last evaluated 2025-02-03.

Conditions:
Neuropathy, hereditary sensory, type 2C. Also called: KIF1A-Related HSAN2 (HSAN2C); Hereditary sensory and autonomic neuropathy type IIC. Identifiers: Orphanet 970, MedGen C3280168, MONDO:0013634, OMIM 614213.
Intellectual disability, autosomal dominant 9 (NESCAVS). Also called: NESCAV SYNDROME; KIF1A-Related Neurodevelopmental Disorder. Identifiers: Orphanet 662367, MedGen C5393830, MONDO:0013656, OMIM 614255.
Hereditary spastic paraplegia 30. Identifiers: Orphanet 101010, MedGen C5235139, MONDO:0012476.
History of neurodevelopmental disorder. Identifiers: MedGen C2711754.

Allele frequency attached by ClinVar (database versions not stated): ExAC 0.00001; gnomAD exomes 0.00001; gnomAD 0.00003; TOPMed 0.00007; ESP Exome Variant Server 0.00024.
gnomAD v4.1: 43 of 1,611,526 alleles (0.0027%); highest among the groups gnomAD compares: Non-Finnish European, 0.0031%; no homozygotes.

Submissions (3):

Labcorp Genetics (formerly Invitae), Labcorp
Classification: Likely benign for Hereditary spastic paraplegia 30; Neuropathy, hereditary sensory, type 2C; Intellectual disability, autosomal dominant 9. Last evaluated: 2025-02-03. Review status: criteria provided, single submitter. Criteria: Invitae Variant Classification Sherloc (09022015). Collection method: clinical testing. Allele origin: germline.

GeneDx
Classification: Uncertain significance. Last evaluated: 2023-08-10. Review status: criteria provided, single submitter. Criteria: GeneDx Variant Classification Process June 2021. Collection method: clinical testing. Allele origin: germline. Affected: yes.
Comment: Reported previously in two siblings with early onset familial ALS; however, no further clinical information was provided (Liao et al., 2022); In silico analysis supports that this missense variant does not alter protein structure/function; This variant is associated with the following publications: (PMID: 36284339)

Ambry Genetics
Classification: Uncertain significance for History of neurodevelopmental disorder. Last evaluated: 2016-08-19. Review status: criteria provided, single submitter. Criteria: Ambry Autosomal Dominant and X-Linked criteria (10/2015). Collection method: clinical testing. Allele origin: germline. Observed: 1 variant allele.
Comment: The p.R1105Q variant (also known as c.3314G>A), located in coding exon 31 of the KIF1A gene, results from a G to A substitution at nucleotide position 3314. The arginine at codon 1105 is replaced by glutamine, an amino acid with highly similar properties. This variant was previously reported in the SNPDatabase as rs369849214. Based on data from the NHLBI Exome Sequencing Project (ESP), the A allele has an overall frequency of approximately 0.02% (3/12498) total alleles studied and 0.04% (3/8382) European American alleles. Allele frequency data for this nucleotide position is not currently available from the 1000 Genomes Project. This amino acid position is not well conserved in available vertebrate species. In addition, this alteration is predicted to be tolerated by in silico analysis. Since supporting evidence is limited at this time, the clinical significance of this variant remains unclear.